The following is an entry in ClinVar:

NM_001430.5(EPAS1):c.1265A>T (p.Glu422Val)

Gene: EPAS1 (endothelial PAS domain protein 1; plus strand). Cytogenetic location: 2p21.
Variant type: single nucleotide variant.
Coding change: c.1265A>T on transcript NM_001430.5 (MANE Select); coding-DNA position 1265, A replaced by T.
Protein change: p.Glu422Val; replaces glutamic acid 422 with valine.
Molecular consequence: missense variant.
Genome position (GRCh38, 1-based): chr2:46,377,909, A>T. VCF-style: chr2-46377909-A-T. GRCh37 (hg19) VCF-style: chr2-46605048-A-T.
Other names: short protein forms E422V.
Identifiers: ClinVar variation 2565060 (VCV002565060.2), dbSNP rs2546473357, ClinGen allele CA346703626.

ClinVar aggregate classification (germline): Uncertain significance (1 of 4 stars; one submission).

Conditions:
Inborn genetic diseases. Identifiers: MedGen C0950123, MeSH D030342.

Submission:

Ambry Genetics
Classification: Uncertain significance for Inborn genetic diseases. Last evaluated: 2023-04-22. Review status: criteria provided, single submitter. Criteria: Ambry Variant Classification Scheme 2023. Collection method: clinical testing. Allele origin: germline.
Comment: The p.E422V variant (also known as c.1265A>T), located in coding exon 10 of the EPAS1 gene, results from an A to T substitution at nucleotide position 1265. The glutamic acid at codon 422 is replaced by valine, an amino acid with dissimilar properties. This amino acid position is conserved. In addition, this alteration is predicted to be tolerated by in silico analysis. Since supporting evidence is limited at this time, the clinical significance of this alteration remains unclear.